The following is an entry in ClinVar:

ClinVar aggregate classification (germline): Uncertain significance (0 of 4 stars; one submission).

Conditions:
ATP2B2-related disorder. Also called: ATP2B2-related condition.

Submission:

PreventionGenetics, part of Exact Sciences
Classification: Uncertain significance for ATP2B2-related condition. Last evaluated: 2024-05-27. Review status: no assertion criteria provided. Collection method: clinical testing. Allele origin: germline.
Comment: The ATP2B2 c.1682_1708dup27 variant is predicted to result in an in-frame duplication (p.Arg561_Lys569dup). To our knowledge, this variant has not been reported in the literature or in a large population database, indicating this variant is rare. This variant is interpreted as no interpretation set.

NM_001001331.4(ATP2B2):c.1817_1843dup (p.Lys614_Leu615insArgLysSerMetSerThrValIleLys)

Gene: ATP2B2 (ATPase plasma membrane Ca2+ transporting 2; minus strand). Cytogenetic location: 3p25.3.
Variant type: Duplication.
Coding change: c.1817_1843dup on transcript NM_001001331.4 (MANE Select); coding-DNA positions 1817 to 1843, 27 bases duplicated (GCAAGTCCATGAGCACTGTCATCAAGC).
Protein change: p.Lys614_Leu615insArgLysSerMetSerThrValIleLys.
Molecular consequence: inframe insertion.
Genome position (GRCh38, 1-based): chr3:10,359,940-10,359,966, GCTTGATGACAGTGCTCATGGACTTGC duplicated on the plus strand (GCAAGTCCATGAGCACTGTCATCAAGC on the coding strand, the reverse complement: ATP2B2 is on the minus strand); duplicating any 27 consecutive bases within chr3:10,359,940-10,359,968 gives the same sequence; the c. name uses the placement nearest the transcript's 3' end. VCF-style (leftmost placement, unchanged base first): chr3-10359939-A-AGCTTGATGACAGTGCTCATGGACTTGC. GRCh37 (hg19) VCF-style: chr3-10401623-A-AGCTTGATGACAGTGCTCATGGACTTGC.
Other names: c.1682_1708dup, p.Lys569_Leu570insArgLysSerMetSerThrValIleLys (NM_001330611.3, NM_001353564.1, NM_001363862.1 and 1 more transcripts).
Identifiers: ClinVar variation 3345628 (VCV003345628.1).